The following is an entry in ClinVar:

ClinVar aggregate classification (germline): Uncertain significance. Review status: criteria provided, multiple submitters, no conflicts (2 of 4 stars). 2 submissions from 2 submitters: Uncertain significance (2). Last evaluated 2025-02-12.

Conditions:
Inborn genetic diseases. Identifiers: MedGen C0950123, MeSH D030342.

gnomAD v4.1: 2 of 1,614,120 alleles (0.00012%); highest among the groups gnomAD compares: Admixed American, 0.0017%; no homozygotes.

Submissions (2):

Labcorp Genetics (formerly Invitae), Labcorp
Classification: Uncertain significance. Last evaluated: 2025-02-12. Review status: criteria provided, single submitter. Criteria: Invitae Variant Classification Sherloc (09022015). Collection method: clinical testing. Allele origin: germline.
Comment: This sequence change replaces glutamic acid, which is acidic and polar, with lysine, which is basic and polar, at codon 646 of the FOXP1 protein (p.Glu646Lys). This variant is not present in population databases (gnomAD no frequency). This variant has not been reported in the literature in individuals affected with FOXP1-related conditions. ClinVar contains an entry for this variant (Variation ID: 588850). Invitae Evidence Modeling of protein sequence and biophysical properties (such as structural, functional, and spatial information, amino acid conservation, physicochemical variation, residue mobility, and thermodynamic stability) indicates that this missense variant is not expected to disrupt FOXP1 protein function with a negative predictive value of 80%. In summary, the available evidence is currently insufficient to determine the role of this variant in disease. Therefore, it has been classified as a Variant of Uncertain Significance.

Ambry Genetics
Classification: Uncertain significance for Inborn genetic diseases. Last evaluated: 2017-03-01. Review status: criteria provided, single submitter. Criteria: Ambry Variant Classification Scheme 2023. Collection method: clinical testing. Allele origin: germline.
Comment: The p.E646K variant (also known as c.1936G>A), located in coding exon 16 of the FOXP1 gene, results from a G to A substitution at nucleotide position 1936. The glutamic acid at codon 646 is replaced by lysine, an amino acid with similar properties. This amino acid position is well conserved in available vertebrate species. In addition, the in silico prediction for this alteration is inconclusive. Since supporting evidence is limited at this time, the clinical significance of this alteration remains unclear.

NM_001349338.3(FOXP1):c.1936G>A (p.Glu646Lys)

Gene: FOXP1 (forkhead box P1; minus strand). Cytogenetic location: 3p13.
Variant type: single nucleotide variant.
Coding change: c.1936G>A on transcript NM_001349338.3 (MANE Select); coding-DNA position 1936, G replaced by A.
Protein change: p.Glu646Lys; replaces glutamic acid 646 with lysine.
Molecular consequence: missense variant. On other transcripts: non-coding transcript variant (2).
Genome position (GRCh38, 1-based): chr3:70,959,345, C>T on the plus strand (G>A on the coding strand, the complement: FOXP1 is on the minus strand). VCF-style: chr3-70959345-C-T. GRCh37 (hg19) VCF-style: chr3-71008496-C-T.
Other names: c.1933G>A, p.Glu645Lys (NM_001244808.3, NM_001349341.3); c.1984G>A, p.Glu662Lys (NM_001244810.2); c.1708G>A, p.Glu570Lys (NM_001244812.3); c.1636G>A, p.Glu546Lys (NM_001244813.3, NM_001244815.2, NM_001349342.3); c.1936G>A, p.Glu646Lys (NM_001244814.3, NM_001244816.2, NM_001349340.3 and 1 more transcripts); c.1633G>A, p.Glu545Lys (NM_001349337.2, NM_001349343.3, NM_001349344.3 and 1 more transcripts); short protein forms E646K, E546K, E570K, E645K, E545K, E662K.
Identifiers: ClinVar variation 588850 (VCV000588850.6), dbSNP rs756987886, ClinGen allele CA353488620.